The following is an entry in ClinVar:

ClinVar aggregate classification (germline): Uncertain significance (1 of 4 stars; one submission).

Conditions:
Catecholaminergic polymorphic ventricular tachycardia 1. Also called: VENTRICULAR TACHYCARDIA, STRESS-INDUCED POLYMORPHIC 1; VENTRICULAR TACHYCARDIA, CATECHOLAMINERGIC POLYMORPHIC, 1, WITH OR WITHOUT ATRIAL DYSFUNCTION AND/OR DILATED CARDIOMYOPATHY; RYR2-Related Catecholaminergic Polymorphic Ventricular Tachycardia. Identifiers: Orphanet 3286, MedGen C1631597, MONDO:0011484, OMIM 604772.

Submission:

Labcorp Genetics (formerly Invitae), Labcorp
Classification: Uncertain significance for Catecholaminergic polymorphic ventricular tachycardia 1. Last evaluated: 2022-12-16. Review status: criteria provided, single submitter. Criteria: Invitae Variant Classification Sherloc (09022015). Collection method: clinical testing. Allele origin: germline.
Comment: In summary, the available evidence is currently insufficient to determine the role of this variant in disease. Therefore, it has been classified as a Variant of Uncertain Significance. Advanced modeling of protein sequence and biophysical properties (such as structural, functional, and spatial information, amino acid conservation, physicochemical variation, residue mobility, and thermodynamic stability) performed at Invitae indicates that this missense variant is not expected to disrupt RYR2 protein function. This variant has not been reported in the literature in individuals affected with RYR2-related conditions. This variant is not present in population databases (gnomAD no frequency). This sequence change replaces phenylalanine, which is neutral and non-polar, with leucine, which is neutral and non-polar, at codon 788 of the RYR2 protein (p.Phe788Leu).

NM_001035.3(RYR2):c.2362T>C (p.Phe788Leu)

Gene: RYR2 (ryanodine receptor 2; plus strand). Cytogenetic location: 1q43.
Variant type: single nucleotide variant.
Coding change: c.2362T>C on transcript NM_001035.3 (MANE Select); coding-DNA position 2362, T replaced by C.
Protein change: p.Phe788Leu; replaces phenylalanine 788 with leucine.
Molecular consequence: missense variant.
Genome position (GRCh38, 1-based): chr1:237,500,869, T>C. VCF-style: chr1-237500869-T-C. GRCh37 (hg19) VCF-style: chr1-237664169-T-C.
Other names: short protein forms F788L.
Identifiers: ClinVar variation 2821350 (VCV002821350.3), dbSNP rs2545869512, ClinGen allele CA345393332.